The following is an entry in ClinVar:

ClinVar aggregate classification (germline): Uncertain significance (1 of 4 stars; one submission).

Submission:

GeneDx
Classification: Uncertain significance. Last evaluated: 2023-04-09. Review status: criteria provided, single submitter. Criteria: GeneDx Variant Classification Process June 2021. Collection method: clinical testing. Allele origin: germline. Affected: yes.
Comment: Not observed at significant frequency in large population cohorts (gnomAD); In silico analysis supports that this missense variant does not alter protein structure/function; Has not been previously published as pathogenic or benign to our knowledge

NM_006164.5(NFE2L2):c.1667A>G (p.Gln556Arg)

Gene: NFE2L2 (NFE2 like bZIP transcription factor 2; minus strand). Cytogenetic location: 2q31.2.
Variant type: single nucleotide variant.
Coding change: c.1667A>G on transcript NM_006164.5 (MANE Select); coding-DNA position 1667, A replaced by G.
Protein change: p.Gln556Arg; replaces glutamine 556 with arginine.
Molecular consequence: missense variant.
Genome position (GRCh38, 1-based): chr2:177,230,936, T>C on the plus strand (A>G on the coding strand, the complement: NFE2L2 is on the minus strand). VCF-style: chr2-177230936-T-C. GRCh37 (hg19) VCF-style: chr2-178095664-T-C.
Other names: c.1619A>G, p.Gln540Arg (NM_001145412.3, NM_001313900.1, NM_001313901.1); c.1598A>G, p.Gln533Arg (NM_001145413.3); c.1577A>G, p.Gln526Arg (NM_001313902.2); c.1448A>G, p.Gln483Arg (NM_001313903.2); c.1367A>G, p.Gln456Arg (NM_001313904.1); short protein forms Q456R, Q483R, Q526R, Q533R, Q540R, Q556R.
Identifiers: ClinVar variation 3343009 (VCV003343009.1).